The following is an entry in ClinVar:

NM_001987.5(ETV6):c.427C>G (p.Gln143Glu)

Gene: ETV6 (ETS variant transcription factor 6; plus strand). Cytogenetic location: 12p13.2.
Variant type: single nucleotide variant.
Coding change: c.427C>G on transcript NM_001987.5 (MANE Select); coding-DNA position 427, C replaced by G.
Protein change: p.Gln143Glu; replaces glutamine 143 with glutamic acid.
Molecular consequence: missense variant.
Genome position (GRCh38, 1-based): chr12:11,853,525, C>G. VCF-style: chr12-11853525-C-G. GRCh37 (hg19) VCF-style: chr12-12006459-C-G.
Other names: c.424C>G, p.Gln142Glu (NM_001413913.1); c.400C>G, p.Gln134Glu (NM_001413914.1); c.163C>G, p.Gln55Glu (NM_001413915.1); c.427C>G, p.Gln143Glu (NM_001413916.1, NM_001413917.1); short protein forms Q134E, Q142E, Q143E, Q55E.
Identifiers: ClinVar variation 3846533 (VCV003846533.1).

ClinVar aggregate classification (germline): Uncertain significance (1 of 4 stars; one submission).

Conditions:
Inborn genetic diseases. Identifiers: MedGen C0950123, MeSH D030342.

gnomAD v4.1: 1 of 1,614,244 alleles (0.000062%); highest among the groups gnomAD compares: South Asian, 0.0011%; no homozygotes.

Submission:

Ambry Genetics
Classification: Uncertain significance for Inborn genetic diseases. Last evaluated: 2025-02-08. Review status: criteria provided, single submitter. Criteria: Ambry Variant Classification Scheme 2023. Collection method: clinical testing. Allele origin: germline.
Comment: The p.Q143E variant (also known as c.427C>G), located in coding exon 4 of the ETV6 gene, results from a C to G substitution at nucleotide position 427. The glutamine at codon 143 is replaced by glutamic acid, an amino acid with highly similar properties. This amino acid position is conserved. In addition, this alteration is predicted to be tolerated by in silico analysis. Based on the available evidence, the clinical significance of this variant remains unclear.